The following is an entry in ClinVar:

NM_000051.4(ATM):c.1942_1943delinsTGAAATTTCTGA (p.Val648Ter)

Gene: ATM (ATM serine/threonine kinase; plus strand). Cytogenetic location: 11q22.3.
Variant type: Indel.
Coding change: c.1942_1943delinsTGAAATTTCTGA on transcript NM_000051.4 (MANE Select); coding-DNA positions 1942 to 1943, GT replaced by TGAAATTTCTGA.
Protein change: p.Val648Ter; replaces valine 648 with a stop codon.
Molecular consequence: nonsense.
Genome position (GRCh38, 1-based): chr11:108,253,857-108,253,858, GT replaced by TGAAATTTCTGA. VCF-style: chr11-108253857-GT-TGAAATTTCTGA. GRCh37 (hg19) VCF-style: chr11-108124584-GT-TGAAATTTCTGA.
Other names: c.1942_1943delinsTGAAATTTCTGA, p.Val648Ter (NM_001351834.2); short protein forms V648*.
Identifiers: ClinVar variation 5042280 (VCV005042280.1).

ClinVar aggregate classification (germline): Pathogenic (1 of 4 stars; one submission).

Conditions:
Familial cancer of breast. Also called: BREAST CANCER, FAMILIAL; Hereditary breast cancer; hereditary breast carcinoma. Identifiers: Orphanet 227535, MedGen C0346153, MONDO:0016419, OMIM 114480. Disease mechanism: loss of function.

Submission:

Myriad Genetics, Inc.
Classification: Pathogenic for Familial cancer of breast. Last evaluated: 2026-09-09. Review status: criteria provided, single submitter. Criteria: Myriad Autosomal Dominant, Autosomal Recessive and X-Linked Classification Criteria (2023). Collection method: clinical testing. Allele origin: unknown.
Comment: This variant is considered pathogenic. This variant creates a termination codon and is predicted to result in premature protein truncation.